The following is an entry in ClinVar:

ClinVar aggregate classification (germline): Uncertain significance (1 of 4 stars; one submission).

Conditions:
Stickler syndrome, type I, nonsyndromic ocular. Also called: STICKLER SYNDROME, TYPE I, PREDOMINANTLY OCULAR; STICKLER SYNDROME, ATYPICAL. Identifiers: MedGen C1836080, MONDO:0012287, OMIM 609508.

Submission:

Institute of Human Genetics, University of Leipzig Medical Center
Classification: Uncertain significance for Stickler syndrome, type I, nonsyndromic ocular. Last evaluated: 2025-03-28. Review status: criteria provided, single submitter. Criteria: ACMG Guidelines, 2015. Collection method: clinical testing. Allele origin: unknown. Inheritance: Autosomal dominant inheritance. Affected: yes.
Comment: Criteria applied: PM2,PP3,PP4

NM_001844.5(COL2A1):c.654+5del

Gene: COL2A1 (collagen type II alpha 1 chain; minus strand). Cytogenetic location: 12q13.11.
Variant type: Deletion.
Coding change: c.654+5del on transcript NM_001844.5 (MANE Select); 5 bases into the intron after coding-DNA position 654, one base deleted (G; older notation c.654+5delG).
Molecular consequence: intron variant.
Genome position (GRCh38, 1-based): chr12:47,995,870, C deleted on the plus strand (G on the coding strand, the reverse complement: COL2A1 is on the minus strand). VCF-style (leftmost placement, unchanged base first): chr12-47995869-AC-A. GRCh37 (hg19) VCF-style: chr12-48389652-AC-A.
Other names: c.447+5del (NM_033150.3).
Identifiers: ClinVar variation 3778702 (VCV003778702.1).
Genomic context (GRCh38, chr12:47,995,869, plus strand): 5'-AAAACATCATAGTGCTTGGGAATCATCTGCGACACGATGGAGGCAAAAAGAATTGCAGAT[AC>A]TTACAGGAGCACCTGCAGGGCCTGGAGGTCCTCGAGGTCCCATGGGGCCCTGCATCGGAA-3'